The following is an entry in ClinVar:

ClinVar aggregate classification (germline): Conflicting classifications of pathogenicity. Review status: criteria provided, conflicting classifications (1 of 4 stars). 2 submissions from 2 submitters: Likely pathogenic (1); Uncertain significance (1). Last evaluated 2024-10-15.

Conditions:
RGS9BP-related disorder. Also called: RGS9BP-related condition.

Allele frequency attached by ClinVar (database versions not stated): gnomAD 0.00001; gnomAD exomes 0.00001; TOPMed 0.00002.

Submissions (2):

Blueprint Genetics
Classification: Likely pathogenic for RGS9BP-related disorders. Last evaluated: 2024-10-15. Review status: criteria provided, single submitter. Criteria: ACMG Guidelines, 2015. Collection method: clinical testing. Allele origin: germline. Affected: yes. Observed: 3 variant alleles.

Labcorp Genetics (formerly Invitae), Labcorp
Classification: Uncertain significance. Last evaluated: 2022-07-19. Review status: criteria provided, single submitter. Criteria: Invitae Variant Classification Sherloc (09022015). Collection method: clinical testing. Allele origin: germline.
Comment: In summary, the available evidence is currently insufficient to determine the role of this variant in disease. Therefore, it has been classified as a Variant of Uncertain Significance. Experimental studies and prediction algorithms are not available or were not evaluated, and the functional significance of this variant is currently unknown. This variant has not been reported in the literature in individuals affected with RGS9BP-related conditions. This variant is not present in population databases (gnomAD no frequency). This sequence change creates a premature translational stop signal (p.Ser130Thrfs*21) in the RGS9BP gene. While this is not anticipated to result in nonsense mediated decay, it is expected to disrupt the last 106 amino acid(s) of the RGS9BP protein.

NM_207391.3(RGS9BP):c.389_419del (p.Ser130fs)

Gene: RGS9BP (regulator of G protein signaling 9 binding protein; plus strand). Cytogenetic location: 19q13.11.
Variant type: Deletion.
Coding change: c.389_419del on transcript NM_207391.3 (MANE Select); coding-DNA positions 389 to 419, 31 bases deleted.
Protein change: p.Ser130fs; shifts the reading frame from serine 130.
Molecular consequence: frameshift variant.
Genome position (GRCh38, 1-based): chr19:32,676,652-32,676,682, 31 bases deleted. GRCh37 (hg19): chr19:33,167,558-33,167,588.
Other names: short protein forms S130fs.
Identifiers: ClinVar variation 2192727 (VCV002192727.3), dbSNP rs1398980774, ClinGen allele CA881535084.